The following is an entry in ClinVar:

ClinVar aggregate classification (germline): Uncertain significance (1 of 4 stars; one submission).

Allele frequency attached by ClinVar (database versions not stated): gnomAD exomes below 0.00001 and 0.00001; TOPMed below 0.00001; ExAC 0.00001; gnomAD 0.00001.
gnomAD v4.1: 9 of 1,613,776 alleles (0.00056%); highest among the groups gnomAD compares: African/African-American, 0.0053%; no homozygotes.

Submission:

Labcorp Genetics (formerly Invitae), Labcorp
Classification: Uncertain significance. Last evaluated: 2023-07-17. Review status: criteria provided, single submitter. Criteria: Invitae Variant Classification Sherloc (09022015). Collection method: clinical testing. Allele origin: germline.
Comment: ClinVar contains an entry for this variant (Variation ID: 1433247). This sequence change replaces histidine, which is basic and polar, with tyrosine, which is neutral and polar, at codon 2720 of the FAT4 protein (p.His2720Tyr). This variant is not present in population databases (gnomAD no frequency). This variant has not been reported in the literature in individuals affected with FAT4-related conditions. Advanced modeling of protein sequence and biophysical properties (such as structural, functional, and spatial information, amino acid conservation, physicochemical variation, residue mobility, and thermodynamic stability) performed at Invitae indicates that this missense variant is not expected to disrupt FAT4 protein function. In summary, the available evidence is currently insufficient to determine the role of this variant in disease. Therefore, it has been classified as a Variant of Uncertain Significance.

NM_001291303.3(FAT4):c.8164C>T (p.His2722Tyr)

Gene: FAT4 (FAT atypical cadherin 4; plus strand). Cytogenetic location: 4q28.1.
Variant type: single nucleotide variant.
Coding change: c.8164C>T on transcript NM_001291303.3 (MANE Select); coding-DNA position 8164, C replaced by T.
Protein change: p.His2722Tyr; replaces histidine 2722 with tyrosine.
Molecular consequence: missense variant.
Genome position (GRCh38, 1-based): chr4:125,449,174, C>T. VCF-style: chr4-125449174-C-T. GRCh37 (hg19) VCF-style: chr4-126370329-C-T.
Other names: c.8164C>T, p.His2722Tyr (NM_001291285.3); c.8158C>T, p.His2720Tyr (NM_024582.6); short protein forms H2720Y, H2722Y.
Identifiers: ClinVar variation 1433247 (VCV001433247.6), dbSNP rs779344742, ClinGen allele CA3073322.